The following is an entry in ClinVar:

ClinVar aggregate classification (germline): Uncertain significance. Review status: criteria provided, multiple submitters, no conflicts (2 of 4 stars). 2 submissions from 2 submitters: Uncertain significance (2). Last evaluated 2024-06-05.

Conditions:
Inborn genetic diseases. Identifiers: MedGen C0950123, MeSH D030342.

Submissions (2):

Labcorp Genetics (formerly Invitae), Labcorp
Classification: Uncertain significance. Last evaluated: 2024-06-05. Review status: criteria provided, single submitter. Criteria: Invitae Variant Classification Sherloc (09022015). Collection method: clinical testing. Allele origin: germline.
Comment: This sequence change replaces glutamine, which is neutral and polar, with proline, which is neutral and non-polar, at codon 911 of the TUBGCP6 protein (p.Gln911Pro). This variant is not present in population databases (gnomAD no frequency). This variant has not been reported in the literature in individuals affected with TUBGCP6-related conditions. ClinVar contains an entry for this variant (Variation ID: 2524248). An algorithm developed to predict the effect of missense changes on protein structure and function (PolyPhen-2) suggests that this variant is likely to be tolerated. In summary, the available evidence is currently insufficient to determine the role of this variant in disease. Therefore, it has been classified as a Variant of Uncertain Significance.

Ambry Genetics
Classification: Uncertain significance for Inborn genetic diseases. Last evaluated: 2023-03-29. Review status: criteria provided, single submitter. Criteria: Ambry Variant Classification Scheme 2023. Collection method: clinical testing. Allele origin: germline.

NM_020461.4(TUBGCP6):c.2732A>C (p.Gln911Pro)

Gene: TUBGCP6 (tubulin gamma complex component 6; minus strand). Cytogenetic location: 22q13.33.
Variant type: single nucleotide variant.
Coding change: c.2732A>C on transcript NM_020461.4 (MANE Select); coding-DNA position 2732, A replaced by C.
Protein change: p.Gln911Pro; replaces glutamine 911 with proline.
Molecular consequence: missense variant.
Genome position (GRCh38, 1-based): chr22:50,221,627, T>G on the plus strand (A>C on the coding strand, the complement: TUBGCP6 is on the minus strand). VCF-style: chr22-50221627-T-G. GRCh37 (hg19) VCF-style: chr22-50660056-T-G.
Other names: short protein forms Q911P.
Identifiers: ClinVar variation 2524248 (VCV002524248.4), dbSNP rs2519138586, ClinGen allele CA412096499.
Genomic context (GRCh38, chr22:50,221,627, plus strand): 5'-GGGGGCAGGTCCAAGTTAATGGTCTGCAGCGCCACCTCCAGGAGAGGGACCATGCCAGTC[T>G]GCACGGACGGCTCAGCCCCTGGGCCCACAGGTAGGAAGTCTCCAATGCTGAGGCTGTCAG-3'
Protein context (NP_065194.3, residues 901-921): PVGPGAEPSV[Gln911Pro]TGMVPLLEVA